The following is an entry in ClinVar:

ClinVar aggregate classification (germline): Conflicting classifications of pathogenicity. Review status: criteria provided, conflicting classifications (1 of 4 stars). 4 submissions from 3 submitters: Uncertain significance (2); Benign (1); Likely benign (1). Last evaluated 2026-01-06.

Conditions:
Type 2 collagenopathy. Identifiers: Orphanet 93421, MedGen C2931073, MONDO:0022800.
Stickler syndrome type 1 (STL1). Also called: ARTHROOPHTHALMOPATHY, HEREDITARY PROGRESSIVE; STICKLER SYNDROME, MEMBRANOUS VITREOUS TYPE; STICKLER SYNDROME, VITREOUS TYPE 1; COL2A1-Related Stickler Syndrome. Identifiers: Orphanet 828, Orphanet 90653, MedGen C2020284, MONDO:0007160, OMIM 108300.
COL2A1-related disorder. Also called: COL2A1-related condition; COL2A1-related disorders.

Allele frequency attached by ClinVar (database versions not stated): gnomAD 0.00001; gnomAD exomes 0.00001 and 0.00002; ExAC 0.00002; TOPMed 0.00002.
gnomAD v4.1: 16 of 1,613,582 alleles (0.00099%); highest among the groups gnomAD compares: Admixed American, 0.005%; no homozygotes.

Submissions (4):

PreventionGenetics, part of Exact Sciences
Classification: Uncertain significance for COL2A1-related condition. Last evaluated: 2026-01-06. Review status: criteria provided, single submitter. Criteria: ACMG Guidelines, 2015. Collection method: clinical testing. Allele origin: germline.
Comment: The COL2A1 c.4264C>T variant is predicted to result in the amino acid substitution p.Arg1422Trp. To our knowledge, this variant has not been reported in the literature. This variant is present in 0.0087% of alleles in individuals of Latino descent in gnomAD. At this time, the clinical significance of this variant is uncertain due to the absence of conclusive functional and genetic evidence.

Labcorp Genetics (formerly Invitae), Labcorp
Classification: Likely benign. Last evaluated: 2025-10-01. Review status: criteria provided, single submitter. Criteria: Invitae Variant Classification Sherloc (09022015). Collection method: clinical testing. Allele origin: germline.

Illumina Laboratory Services, Illumina
Classification: Benign for Type II Collagenopathies. Last evaluated: 2018-01-12. Review status: criteria provided, single submitter. Criteria: ICSL Variant Classification Criteria 13 December 2019. Collection method: clinical testing. Allele origin: germline.
Comment: This variant was observed in the ICSL laboratory as part of a predisposition screen in an ostensibly healthy population. It had not been previously curated by ICSL or reported in the Human Gene Mutation Database (HGMD: prior to June 1st, 2018), and was therefore a candidate for classification through an automated scoring system. Utilizing variant allele frequency, disease prevalence and penetrance estimates, and inheritance mode, an automated score was calculated to assess if this variant is too frequent to cause the disease. Based on the score and internal cut-off values, a variant classified as benign is not then subjected to further curation. The score for this variant resulted in a classification of benign for this disease.

Illumina Laboratory Services, Illumina
Classification: Uncertain significance for Stickler syndrome type 1. Last evaluated: 2018-01-12. Review status: criteria provided, single submitter. Criteria: ICSL Variant Classification Criteria 13 December 2019. Collection method: clinical testing. Allele origin: germline.

NM_001844.5(COL2A1):c.4264C>T (p.Arg1422Trp)

Gene: COL2A1 (collagen type II alpha 1 chain; minus strand). Cytogenetic location: 12q13.11.
Variant type: single nucleotide variant.
Coding change: c.4264C>T on transcript NM_001844.5 (MANE Select); coding-DNA position 4264, C replaced by T.
Protein change: p.Arg1422Trp; replaces arginine 1422 with tryptophan.
Molecular consequence: missense variant.
Genome position (GRCh38, 1-based): chr12:47,974,142, G>A on the plus strand (C>T on the coding strand, the complement: COL2A1 is on the minus strand). VCF-style: chr12-47974142-G-A. GRCh37 (hg19) VCF-style: chr12-48367925-G-A.
Other names: c.4057C>T, p.Arg1353Trp (NM_033150.3); short protein forms R1422W, R1353W.
Identifiers: ClinVar variation 308904 (VCV000308904.14), dbSNP rs754466377, ClinGen allele CA6534511.